The following is an entry in ClinVar:

NM_001287.6(CLCN7):c.2337C>T (p.Val779=)

Gene: CLCN7 (Cl-/H+ antiporter 7; minus strand). Cytogenetic location: 16p13.3.
Variant type: single nucleotide variant.
Coding change: c.2337C>T on transcript NM_001287.6 (MANE Select); coding-DNA position 2337, C replaced by T.
Protein change: p.Val779=; no amino-acid change (valine 779 retained).
Molecular consequence: synonymous variant.
Genome position (GRCh38, 1-based): chr16:1,446,712, G>A on the plus strand (C>T on the coding strand, the complement: CLCN7 is on the minus strand). VCF-style: chr16-1446712-G-A. GRCh37 (hg19) VCF-style: chr16-1496713-G-A.
Other names: c.2265C>T, p.Val755= (NM_001114331.3).
Identifiers: ClinVar variation 742074 (VCV000742074.11), dbSNP rs1390033295, ClinGen allele CA394184956.

ClinVar aggregate classification (germline): Likely benign. Review status: criteria provided, multiple submitters, no conflicts (2 of 4 stars). 2 submissions from 2 submitters: Likely benign (2). Last evaluated 2026-01-01.

Allele frequency attached by ClinVar (database versions not stated): gnomAD 0.00001; gnomAD exomes 0.00001; TOPMed 0.00001.
gnomAD v4.1: 11 of 1,585,438 alleles (0.00069%); highest among the groups gnomAD compares: African/African-American, 0.0027%; no homozygotes.

Submissions (2):

CeGaT Center for Human Genetics Tuebingen
Classification: Likely benign. Last evaluated: 2026-01-01. Review status: criteria provided, single submitter. Criteria: CeGaT Center For Human Genetics Tuebingen Variant Classification Criteria Version 2. Collection method: clinical testing. Allele origin: germline. Affected: yes. Observed: 1 variant allele.
Comment: CLCN7: BP4, BP7

Labcorp Genetics (formerly Invitae), Labcorp
Classification: Likely benign. Last evaluated: 2025-07-29. Review status: criteria provided, single submitter. Criteria: Invitae Variant Classification Sherloc (09022015). Collection method: clinical testing. Allele origin: germline.